The following is an entry in ClinVar:

ClinVar aggregate classification (germline): Pathogenic (1 of 4 stars; one submission).

Conditions:
Familial adenomatous polyposis 1 (FAP1). Also called: FAMILIAL ADENOMATOUS POLYPOSIS 1, ATTENUATED; POLYPOSIS, ADENOMATOUS INTESTINAL. Identifiers: MedGen C2713442, MONDO:0021056, OMIM 175100. Disease mechanism: loss of function.

Submission:

Myriad Genetics, Inc.
Classification: Pathogenic for Familial adenomatous polyposis 1. Last evaluated: 2023-05-12. Review status: criteria provided, single submitter. Criteria: Myriad Autosomal Dominant, Autosomal Recessive and X-Linked Classification Criteria (2023). Collection method: clinical testing. Allele origin: unknown.
Comment: This variant is considered pathogenic. This variant creates a termination codon and is predicted to result in premature protein truncation.

NM_000038.6(APC):c.4845C>G (p.Tyr1615Ter)

Gene: APC (APC regulator of Wnt signaling pathway; plus strand). Cytogenetic location: 5q22.2.
Variant type: single nucleotide variant.
Coding change: c.4845C>G on transcript NM_000038.6 (MANE Select); coding-DNA position 4845, C replaced by G.
Protein change: p.Tyr1615Ter; replaces tyrosine 1615 with a stop codon.
Molecular consequence: nonsense. On other transcripts: non-coding transcript variant (2).
Genome position (GRCh38, 1-based): chr5:112,840,439, C>G. VCF-style: chr5-112840439-C-G. GRCh37 (hg19) VCF-style: chr5-112176136-C-G.
Other names: c.4845C>G, p.Tyr1615Ter (NM_001127510.3, NM_001354895.2, NM_001407450.1); c.4791C>G, p.Tyr1597Ter (NM_001127511.3); c.4899C>G, p.Tyr1633Ter (NM_001354896.2, NM_001407447.1, NM_001407448.1 and 1 more transcripts); c.4875C>G, p.Tyr1625Ter (NM_001354897.2); c.4770C>G, p.Tyr1590Ter (NM_001354898.2); c.4761C>G, p.Tyr1587Ter (NM_001354899.2); c.4722C>G, p.Tyr1574Ter (NM_001354900.2); c.4668C>G, p.Tyr1556Ter (NM_001354901.2, NM_001407453.1); and 11 more; short protein forms Y1231*, Y1332*, Y1455*, Y1486*, Y1489*, Y1514*, Y1524*, Y1532*.
Identifiers: ClinVar variation 2583866 (VCV002583866.1), dbSNP rs2533603450, ClinGen allele CA16031946.